The following is an entry in ClinVar:

NM_019109.5(ALG1):c.1255C>T (p.Gln419Ter)

Gene: ALG1 (ALG1 chitobiosyldiphosphodolichol beta-mannosyltransferase; plus strand). Cytogenetic location: 16p13.3.
Variant type: single nucleotide variant.
Coding change: c.1255C>T on transcript NM_019109.5 (MANE Select); coding-DNA position 1255, C replaced by T.
Protein change: p.Gln419Ter; replaces glutamine 419 with a stop codon.
Molecular consequence: nonsense.
Genome position (GRCh38, 1-based): chr16:5,083,749, C>T. VCF-style: chr16-5083749-C-T. GRCh37 (hg19) VCF-style: chr16-5133750-C-T.
Other names: c.922C>T, p.Gln308Ter (NM_001330504.2); short protein forms Q308*, Q419*.
Identifiers: ClinVar variation 2103963 (VCV002103963.4), dbSNP rs1408092115, ClinGen allele CA394674760.
Genomic context (GRCh38, chr16:5,083,749, plus strand): 5'-GAGCTGGTGAAACATGAAGAAAATGGCCTGGTCTTTGAGGACTCAGAGGAACTGGCAGCT[C>T]AGCTGCAGGTAGCCACGTCTGCCACCACGCCAGGGTGGGGAGGGTTCTGGAGACTGGCAC-3'

ClinVar aggregate classification (germline): Pathogenic (1 of 4 stars; one submission).

Conditions:
ALG1-congenital disorder of glycosylation. Also called: CONGENITAL DISORDER OF GLYCOSYLATION, TYPE Ik; ALG1-CDG; CDG Ik. Identifiers: Orphanet 79327, MedGen C2931005, MONDO:0012052, OMIM 608540.

Submission:

Labcorp Genetics (formerly Invitae), Labcorp
Classification: Pathogenic for ALG1-congenital disorder of glycosylation. Last evaluated: 2023-01-13. Review status: criteria provided, single submitter. Criteria: Invitae Variant Classification Sherloc (09022015). Collection method: clinical testing. Allele origin: germline.
Comment: For these reasons, this variant has been classified as Pathogenic. This variant disrupts a region of the ALG1 protein in which other variant(s) (p.Arg438Trp) have been determined to be pathogenic (PMID: 20679665, 24157261, 26931382). This suggests that this is a clinically significant region of the protein, and that variants that disrupt it are likely to be disease-causing. This variant has not been reported in the literature in individuals affected with ALG1-related conditions. This variant is not present in population databases (gnomAD no frequency). This sequence change creates a premature translational stop signal (p.Gln419*) in the ALG1 gene. While this is not anticipated to result in nonsense mediated decay, it is expected to disrupt the last 46 amino acid(s) of the ALG1 protein.

Literature cited by the submitters: PubMed 20679665; PubMed 24157261; PubMed 26931382.